The following is an entry in ClinVar:

NM_001122769.3(LCA5):c.3G>A (p.Met1Ile)

Gene: LCA5 (lebercilin LCA5; minus strand). Cytogenetic location: 6q14.1.
Variant type: single nucleotide variant.
Coding change: c.3G>A on transcript NM_001122769.3 (MANE Select); coding-DNA position 3, G replaced by A.
Protein change: p.Met1Ile; changes the start codon (methionine 1).
Molecular consequence: missense variant, initiator codon variant.
Genome position (GRCh38, 1-based): chr6:79,518,892, C>T on the plus strand (G>A on the coding strand, the complement: LCA5 is on the minus strand). VCF-style: chr6-79518892-C-T. GRCh37 (hg19) VCF-style: chr6-80228609-C-T.
Other names: c.3G>A, p.Met1Ile (NM_181714.4); short protein forms M1I.
Identifiers: ClinVar variation 2136442 (VCV002136442.7), dbSNP rs1766535009, ClinGen allele CA364632413.

ClinVar aggregate classification (germline): Pathogenic/Likely pathogenic. Review status: criteria provided, multiple submitters, no conflicts (2 of 4 stars). 2 submissions from 2 submitters: Pathogenic (1); Likely pathogenic (1). Last evaluated 2025-10-28.

Conditions:
Leber congenital amaurosis (LCA). Also called: Leber's amaurosis. Identifiers: Orphanet 65, MedGen C0339527, MeSH D057130, MONDO:0018998.

Allele frequency attached by ClinVar (database versions not stated): TOPMed below 0.00001.

Submissions (2):

Labcorp Genetics (formerly Invitae), Labcorp
Classification: Pathogenic. Last evaluated: 2025-10-28. Review status: criteria provided, single submitter. Criteria: Invitae Variant Classification Sherloc (09022015). Collection method: clinical testing. Allele origin: germline.
Comment: This sequence change affects the initiator codon of the LCA5 mRNA. This change may impact translation initiation or efficiency. The next in-frame methionine is located at codon 336. This variant is not present in population databases (gnomAD no frequency). Disruption of the initiator codon has been observed in individuals with LCA5-related conditions (PMID: 23946133; internal data). ClinVar contains an entry for this variant (Variation ID: 2136442). This variant disrupts a region of the LCA5 protein in which other variant(s) (p.Ala212Pro) have been observed in individuals with LCA5-related conditions (PMID: 27067258). This suggests that this is a clinically significant region of the protein, and that variants that disrupt it are likely to be disease-causing. For these reasons, this variant has been classified as Pathogenic.

Women's Health and Genetics/Laboratory Corporation of America, LabCorp
Classification: Likely pathogenic for Leber congenital amaurosis. Last evaluated: 2025-04-07. Review status: criteria provided, single submitter. Criteria: LabCorp Variant Classification Summary - May 2015. Collection method: clinical testing. Allele origin: germline.
Comment: Variant summary: LCA5 c.3G>A (p.Met1Ile) alters the initiation codon and is predicted to result either in absence of the protein or truncation of the encoded protein due to translation initiation at a downstream codon. The next in-frame methionine is located at codon 336. Variant p.Ala319Thr has been classified Pathogenic. The variant was absent in 251410 control chromosomes. c.3G>A has been reported in the literature in individuals affected with Leber Congenital Amaurosis (example:Mackay_2013). To our knowledge, no experimental evidence demonstrating an impact on protein function has been reported. The following publication have been ascertained in the context of this evaluation (PMID: 23946133). ClinVar contains an entry for this variant (Variation ID: 2136442). Based on the evidence outlined above, the variant was classified as likely pathogenic.

Literature cited by the submitters: PubMed 23946133 (cited by Labcorp Genetics (formerly Invitae), Labcorp and Women's Health and Genetics/Laboratory Corporation of America, LabCorp); PubMed 27067258 (cited by Labcorp Genetics (formerly Invitae), Labcorp).